The following is an entry in ClinVar:

ClinVar aggregate classification (germline): Likely benign (1 of 4 stars; one submission).

Conditions:
Arrhythmogenic cardiomyopathy with wooly hair and keratoderma. Also called: PALMOPLANTAR KERATODERMA WITH LEFT VENTRICULAR CARDIOMYOPATHY AND WOOLLY HAIR; Carvajal syndrome; Dilated cardiomyopathy with woolly hair and keratoderma; Arrhythmogenic cardiomyopathy with woolly hair and keratoderma. Identifiers: Orphanet 65282, MedGen C1854063, MONDO:0011581, OMIM 605676.

Allele frequency attached by ClinVar (database versions not stated): gnomAD exomes below 0.00001.
gnomAD v4.1: 1 of 1,614,166 alleles (0.000062%); highest among the groups gnomAD compares: Non-Finnish European, 0.000085%; no homozygotes.

Submission:

All of Us Research Program, National Institutes of Health
Classification: Likely benign for Arrhythmogenic cardiomyopathy with wooly hair and keratoderma. Last evaluated: 2023-12-13. Review status: criteria provided, single submitter. Criteria: ACMG Guidelines, 2015. Collection method: clinical testing. Allele origin: germline. Inheritance: Autosomal dominant inheritance. Observed: 1 variant allele, 1 heterozygote.
Comment: This study involves interpretation of variants in research participants for the purpose of population health screening. Participant phenotype was not available at the time of variant classification. Additional details can be found in publication PMID: 35346344, PMCID: PMC8962531

NM_004415.4(DSP):c.2565G>A (p.Lys855=)

Gene: DSP (desmoplakin; plus strand). Cytogenetic location: 6p24.3.
Variant type: single nucleotide variant.
Coding change: c.2565G>A on transcript NM_004415.4 (MANE Select); coding-DNA position 2565, G replaced by A.
Protein change: p.Lys855=; no amino-acid change (lysine 855 retained).
Molecular consequence: synonymous variant.
Genome position (GRCh38, 1-based): chr6:7,575,423, G>A. VCF-style: chr6-7575423-G-A. GRCh37 (hg19) VCF-style: chr6-7575656-G-A.
Other names: c.2565G>A, p.Lys855= (NM_001008844.3, NM_001319034.2).
Identifiers: ClinVar variation 3074909 (VCV003074909.1), dbSNP rs2533908815, ClinGen allele CA448527862.